The following is an entry in ClinVar:

NM_004415.4(DSP):c.7310A>G (p.Glu2437Gly)

Gene: DSP (desmoplakin; plus strand). Cytogenetic location: 6p24.3.
Variant type: single nucleotide variant.
Coding change: c.7310A>G on transcript NM_004415.4 (MANE Select); coding-DNA position 7310, A replaced by G.
Protein change: p.Glu2437Gly; replaces glutamic acid 2437 with glycine.
Molecular consequence: missense variant.
Genome position (GRCh38, 1-based): chr6:7,584,572, A>G. VCF-style: chr6-7584572-A-G. GRCh37 (hg19) VCF-style: chr6-7584805-A-G.
Other names: p.E2437G:GAG>GGG; c.7310A>G (LRG_423t1, NM_004415.3); c.5513A>G, p.Glu1838Gly (NM_001008844.3); c.5981A>G, p.Glu1994Gly (NM_001319034.2); short protein forms E2437G, E1838G, E1994G.
Identifiers: ClinVar variation 199907 (VCV000199907.22), dbSNP rs794728132, ClinGen allele CA007189.

ClinVar aggregate classification (germline): Conflicting classifications of pathogenicity. Review status: criteria provided, conflicting classifications (1 of 4 stars). 6 submissions from 6 submitters: Uncertain significance (5); Likely benign (1). Last evaluated 2026-05-01.

Conditions:
DSP-related disorder. Also called: DSP-related disorders; DSP-related condition.
Cardiovascular phenotype. Identifiers: MedGen CN230736.
Arrhythmogenic right ventricular dysplasia 8 (ARVD8). Also called: Arrhythmogenic Right Ventricular Dysplasia/Cardiomyopathy 8; ARRHYTHMOGENIC RIGHT VENTRICULAR DYSPLASIA, FAMILIAL, 8; ARRHYTHMOGENIC RIGHT VENTRICULAR CARDIOMYOPATHY 8. Identifiers: MedGen C1843896, MONDO:0011831, OMIM 607450.
Arrhythmogenic cardiomyopathy with wooly hair and keratoderma. Also called: Dilated cardiomyopathy with woolly hair and keratoderma; Arrhythmogenic cardiomyopathy with woolly hair and keratoderma; Carvajal syndrome; PALMOPLANTAR KERATODERMA WITH LEFT VENTRICULAR CARDIOMYOPATHY AND WOOLLY HAIR. Identifiers: Orphanet 65282, MedGen C1854063, MONDO:0011581, OMIM 605676.
Cardiomyopathy (CMYO). Also called: Cardiomyopathies. Identifiers: Orphanet 167848, MedGen C0878544, MONDO:0004994, HP:0001638. Inheritance: Various modes of inheritance.

Allele frequency attached by ClinVar (database versions not stated): gnomAD exomes below 0.00001 and 0.00004; gnomAD 0.00002.
gnomAD v4.1: 55 of 1,613,934 alleles (0.0034%); highest among the groups gnomAD compares: Non-Finnish European, 0.0044%; no homozygotes.

Submissions (6):

Women's Health and Genetics/Laboratory Corporation of America, LabCorp
Classification: Uncertain significance. Last evaluated: 2026-05-01. Review status: criteria provided, single submitter. Criteria: LabCorp Variant Classification Summary - May 2015. Collection method: clinical testing. Allele origin: germline.

PreventionGenetics, part of Exact Sciences
Classification: Uncertain significance for DSP-related condition. Last evaluated: 2026-03-12. Review status: criteria provided, single submitter. Criteria: ACMG Guidelines, 2015. Collection method: clinical testing. Allele origin: germline.
Comment: The DSP c.7310A>G variant is predicted to result in the amino acid substitution p.Glu2437Gly. To our knowledge, this variant has not been reported in the literature. This variant is reported in 0.0040% of alleles in individuals of African descent in gnomAD. At this time, the clinical significance of this variant is uncertain due to the absence of conclusive functional and genetic evidence.

Labcorp Genetics (formerly Invitae), Labcorp
Classification: Likely benign for Arrhythmogenic cardiomyopathy with wooly hair and keratoderma; Arrhythmogenic right ventricular dysplasia 8. Last evaluated: 2025-12-01. Review status: criteria provided, single submitter. Criteria: Invitae Variant Classification Sherloc (09022015). Collection method: clinical testing. Allele origin: germline.

Color Diagnostics, LLC DBA Color Health
Classification: Uncertain significance for Cardiomyopathy. Last evaluated: 2024-04-23. Review status: criteria provided, single submitter. Criteria: ACMG Guidelines, 2015. Collection method: clinical testing. Allele origin: germline.
Comment: This missense variant replaces glutamic acid with glycine at codon 2437 of the DSP protein. Computational prediction suggests that this variant may not impact protein structure and function (internally defined REVEL score threshold <= 0.5, PMID: 27666373). To our knowledge, functional studies have not been reported for this variant. This variant has not been reported in individuals affected with DSP-related disorders in the literature. This variant has been identified in 3/282556 chromosomes in the general population by the Genome Aggregation Database (gnomAD). The available evidence is insufficient to determine the role of this variant in disease conclusively. Therefore, this variant is classified as a Variant of Uncertain Significance.

GeneDx
Classification: Uncertain significance. Last evaluated: 2021-11-22. Review status: criteria provided, single submitter. Criteria: GeneDx Variant Classification Process June 2021. Collection method: clinical testing. Allele origin: germline. Affected: yes.
Comment: Has not been previously published as pathogenic or benign to our knowledge; Not observed at significant frequency in large population cohorts (Lek et al., 2016); In silico analysis supports that this missense variant has a deleterious effect on protein structure/function; Reported in ClinVar as a variant of uncertain significance (ClinVar Variant ID# 199907; Landrum et al., 2016)

Ambry Genetics
Classification: Uncertain significance for Cardiovascular phenotype. Last evaluated: 2019-03-08. Review status: criteria provided, single submitter. Criteria: Ambry Variant Classification Scheme 2023. Collection method: clinical testing. Allele origin: germline.
Comment: The p.E2437G variant (also known as c.7310A>G), located in coding exon 24 of the DSP gene, results from an A to G substitution at nucleotide position 7310. The glutamic acid at codon 2437 is replaced by glycine, an amino acid with similar properties. This amino acid position is not well conserved in available vertebrate species. In addition, this alteration is predicted to be tolerated by in silico analysis. Since supporting evidence is limited at this time, the clinical significance of this alteration remains unclear.